The following is an entry in ClinVar:

NM_003235.5(TG):c.5184C>A (p.Cys1728Ter)

Gene: TG (thyroglobulin; plus strand). Cytogenetic location: 8q24.22.
Variant type: single nucleotide variant.
Coding change: c.5184C>A on transcript NM_003235.5 (MANE Select); coding-DNA position 5184, C replaced by A.
Protein change: p.Cys1728Ter; replaces cysteine 1728 with a stop codon.
Molecular consequence: nonsense.
Genome position (GRCh38, 1-based): chr8:132,941,493, C>A. VCF-style: chr8-132941493-C-A. GRCh37 (hg19) VCF-style: chr8-133953738-C-A.
Other names: short protein forms C1728*.
Identifiers: ClinVar variation 208619 (VCV000208619.11), dbSNP rs199599591, ClinGen allele CA210826.

ClinVar aggregate classification (germline): Pathogenic/Likely pathogenic. Review status: criteria provided, multiple submitters, no conflicts (2 of 4 stars). 4 submissions from 4 submitters: Pathogenic (2); Likely pathogenic (2). Last evaluated 2025-02-18.

Conditions:
Iodotyrosyl coupling defect (TDH3). Also called: HYPOTHYROIDISM, CONGENITAL, DUE TO DYSHORMONOGENESIS, 3; THYROID HORMONOGENESIS, GENETIC DEFECT IN, 3. Identifiers: Orphanet 95716, MedGen C0342194, MONDO:0010135, OMIM 274700.
Autoimmune thyroid disease, susceptibility to, 3. Identifiers: MedGen C1842444, MONDO:0011982, OMIM 608175.

Allele frequency attached by ClinVar (database versions not stated): TOPMed 0.00010.
gnomAD v4.1: 92 of 1,614,052 alleles (0.0057%); highest among the groups gnomAD compares: Admixed American, 0.0017%; no homozygotes.

Submissions (4):

GeneDx
Classification: Likely pathogenic. Last evaluated: 2025-02-18. Review status: criteria provided, single submitter. Criteria: GeneDx Variant Classification Process June 2021. Collection method: clinical testing. Allele origin: germline. Affected: yes.
Comment: Nonsense variant predicted to result in protein truncation or nonsense mediated decay in a gene for which loss of function is a known mechanism of disease; This variant is associated with the following publications: (PMID: 31589614, 31980526, 38523675, 35177841, 34200080, 39040671)

Fulgent Genetics
Classification: Likely pathogenic for Iodotyrosyl coupling defect; Autoimmune thyroid disease, susceptibility to, 3. Last evaluated: 2024-04-24. Review status: criteria provided, single submitter. Criteria: ACMG Guidelines, 2015. Collection method: clinical testing. Allele origin: germline.

Labcorp Genetics (formerly Invitae), Labcorp
Classification: Pathogenic. Last evaluated: 2024-03-30. Review status: criteria provided, single submitter. Criteria: Invitae Variant Classification Sherloc (09022015). Collection method: clinical testing. Allele origin: germline.
Comment: This sequence change creates a premature translational stop signal (p.Cys1728*) in the TG gene. It is expected to result in an absent or disrupted protein product. Loss-of-function variants in TG are known to be pathogenic (PMID: 19837936, 23164529). This variant is present in population databases (rs199599591, gnomAD 0.2%). This premature translational stop signal has been observed in individual(s) with thyroid dyshormonogenesis (PMID: 31980526). ClinVar contains an entry for this variant (Variation ID: 208619). For these reasons, this variant has been classified as Pathogenic.

Laboratory for Molecular Medicine, Mass General Brigham Personalized Medicine
Classification: Pathogenic for Iodotyrosyl coupling defect. Last evaluated: 2014-09-08. Review status: criteria provided, single submitter. Criteria: LMM Criteria. Collection method: clinical testing. Allele origin: germline. Inheritance: Autosomal recessive inheritance. Observed: 1 variant allele. Study: CSER-MedSeq.
Comment: The Cys1728X variant in TG has not been previously reported in individuals with disease and was not identified in large population studies. This nonsense variant leads to a premature termination codon at position 1728 which is predicted to lead to a truncated or absent protein. Loss of function of TG has been established as a disease mechanism in congenital hypothyroidism. In summary, the Cys1728X variant in TG meets our criteria to be classified as pathogenic for congenital hypothyroidism in a recessive manner.

Literature cited by the submitters: PubMed 19837936 (cited by Labcorp Genetics (formerly Invitae), Labcorp); PubMed 23164529 (cited by Labcorp Genetics (formerly Invitae), Labcorp); PubMed 31980526 (cited by Labcorp Genetics (formerly Invitae), Labcorp).